The following is an entry in ClinVar:

ClinVar aggregate classification (germline): Likely benign. Review status: criteria provided, multiple submitters, no conflicts (2 of 4 stars). 4 submissions from 4 submitters: Likely benign (4). Last evaluated 2026-09-01.

Conditions:
Malignant hyperthermia, susceptibility to, 1 (MHS1). Also called: Malignant hyperthermia suceptibility 1; RYR1-Related Malignant Hyperthermia Susceptibility; Anesthesia related hyperthermia; Malignant hyperpyrexia; Fulminating hyperpyrexia; Pharmacogenic myopathy. Identifiers: Orphanet 423, MedGen C2930980, MONDO:0007783, OMIM 145600.
RYR1-related disorder. Also called: RYR1-related condition; RYR1-related disorders. Identifiers: MedGen CN239331.

Allele frequency attached by ClinVar (database versions not stated): gnomAD 0.00001; TOPMed 0.00003; gnomAD exomes 0.00004 and 0.00009; ExAC 0.00010.
gnomAD v4.1: 26 of 1,614,114 alleles (0.0016%); highest among the groups gnomAD compares: Admixed American, 0.043%; no homozygotes.

Submissions (4):

CeGaT Center for Human Genetics Tuebingen
Classification: Likely benign. Last evaluated: 2026-09-01. Review status: criteria provided, single submitter. Criteria: CeGaT Center For Human Genetics Tuebingen Variant Classification Criteria Version 2. Collection method: clinical testing. Allele origin: germline. Affected: yes. Observed: 2 variant alleles.
Comment: RYR1: BP4, BP7

Labcorp Genetics (formerly Invitae), Labcorp
Classification: Likely benign for RYR1-related disorder. Last evaluated: 2025-11-20. Review status: criteria provided, single submitter. Criteria: Invitae Variant Classification Sherloc (09022015). Collection method: clinical testing. Allele origin: germline.

All of Us Research Program, National Institutes of Health
Classification: Likely benign for Malignant hyperthermia, susceptibility to, 1. Last evaluated: 2023-12-13. Review status: criteria provided, single submitter. Criteria: ACMG Guidelines, 2015. Collection method: clinical testing. Allele origin: germline. Inheritance: Autosomal dominant inheritance. Observed: 8 variant alleles, 8 heterozygotes.
Comment: This study involves interpretation of variants in research participants for the purpose of population health screening. Participant phenotype was not available at the time of variant classification. Additional details can be found in publication PMID: 35346344, PMCID: PMC8962531

Color Diagnostics, LLC DBA Color Health
Classification: Likely benign for Malignant hyperthermia, susceptibility to, 1. Last evaluated: 2022-11-06. Review status: criteria provided, single submitter. Criteria: ACMG Guidelines, 2015. Collection method: clinical testing. Allele origin: germline.

NM_000540.3(RYR1):c.966G>A (p.Leu322=)

Gene: RYR1 (ryanodine receptor 1; plus strand). Cytogenetic location: 19q13.2.
Variant type: single nucleotide variant.
Coding change: c.966G>A on transcript NM_000540.3 (MANE Select); coding-DNA position 966, G replaced by A.
Protein change: p.Leu322=; no amino-acid change (leucine 322 retained).
Molecular consequence: synonymous variant.
Genome position (GRCh38, 1-based): chr19:38,448,657, G>A. VCF-style: chr19-38448657-G-A. GRCh37 (hg19) VCF-style: chr19-38939297-G-A.
Other names: c.966G>A, p.Leu322= (NM_001042723.2).
Identifiers: ClinVar variation 544518 (VCV000544518.13), dbSNP rs764146470, ClinGen allele CA073951.